The following is an entry in ClinVar:

ClinVar aggregate classification (germline): Uncertain significance. Review status: criteria provided, multiple submitters, no conflicts (2 of 4 stars). 2 submissions from 2 submitters: Uncertain significance (2). Last evaluated 2024-10-16.

Conditions:
Methylmalonic aciduria and homocystinuria type cblF. Also called: COBALAMIN F DISEASE; COBALAMIN, DEFECT IN LYSOSOMAL RELEASE OF; METHYLMALONIC ACIDEMIA AND HOMOCYSTINURIA, cblF TYPE; METHYLMALONIC ACIDURIA DUE TO VITAMIN B12-RELEASE DEFECT; VITAMIN B12 LYSOSOMAL RELEASE DEFECT; VITAMIN B12 STORAGE DISEASE. Identifiers: Orphanet 79284, MedGen C1848578, MONDO:0010183, OMIM 277380.

Allele frequency attached by ClinVar (database versions not stated): gnomAD 0.00001; gnomAD exomes 0.00001; ExAC 0.00002.
gnomAD v4.1: 8 of 1,570,566 alleles (0.00051%); highest among the groups gnomAD compares: Admixed American, 0.0017%; no homozygotes.

Submissions (2):

Labcorp Genetics (formerly Invitae), Labcorp
Classification: Uncertain significance for Methylmalonic aciduria and homocystinuria type cblF. Last evaluated: 2024-10-16. Review status: criteria provided, single submitter. Criteria: Invitae Variant Classification Sherloc (09022015). Collection method: clinical testing. Allele origin: germline.
Comment: This sequence change replaces isoleucine, which is neutral and non-polar, with methionine, which is neutral and non-polar, at codon 449 of the LMBRD1 protein (p.Ile449Met). This variant is present in population databases (rs771561971, gnomAD 0.002%). This variant has not been reported in the literature in individuals affected with LMBRD1-related conditions. ClinVar contains an entry for this variant (Variation ID: 357768). Invitae Evidence Modeling of protein sequence and biophysical properties (such as structural, functional, and spatial information, amino acid conservation, physicochemical variation, residue mobility, and thermodynamic stability) indicates that this missense variant is not expected to disrupt LMBRD1 protein function with a negative predictive value of 80%. In summary, the available evidence is currently insufficient to determine the role of this variant in disease. Therefore, it has been classified as a Variant of Uncertain Significance.

Illumina Laboratory Services, Illumina
Classification: Uncertain significance for Methylmalonic aciduria and homocystinuria type cblF. Last evaluated: 2018-01-13. Review status: criteria provided, single submitter. Criteria: ICSL Variant Classification Criteria 13 December 2019. Collection method: clinical testing. Allele origin: germline.

NM_018368.4(LMBRD1):c.1347A>G (p.Ile449Met)

Gene: LMBRD1 (LMBR1 domain containing 1; minus strand). Cytogenetic location: 6q13.
Variant type: single nucleotide variant.
Coding change: c.1347A>G on transcript NM_018368.4 (MANE Select); coding-DNA position 1347, A replaced by G.
Protein change: p.Ile449Met; replaces isoleucine 449 with methionine.
Molecular consequence: missense variant.
Genome position (GRCh38, 1-based): chr6:69,697,633, T>C on the plus strand (A>G on the coding strand, the complement: LMBRD1 is on the minus strand). VCF-style: chr6-69697633-T-C. GRCh37 (hg19) VCF-style: chr6-70407525-T-C.
Other names: c.1128A>G, p.Ile376Met (NM_001363722.2, NM_001367271.1, NM_001367272.1); short protein forms I449M, I376M.
Identifiers: ClinVar variation 357768 (VCV000357768.11), dbSNP rs771561971, ClinGen allele CA3879591.